The following is an entry in ClinVar:

ClinVar aggregate classification (germline): Pathogenic (1 of 4 stars; one submission).

Conditions:
Chromosome 17q12 deletion syndrome. Identifiers: Orphanet 261265, MedGen C3281138, MONDO:0013797, OMIM 614527.

Submission:

Baylor Genetics
Classification: Pathogenic for Chromosome 17q12 deletion syndrome. Last evaluated: 2015-02-27. Review status: criteria provided, single submitter. Criteria: Yang et al. 2013. Collection method: clinical testing. Allele origin: germline. Inheritance: Autosomal dominant inheritance. Affected: yes. Study: Adult_WES.

Literature cited by the submitters: PubMed 26633545.

NC_000017.10:g.(34360227_34437475)_(36214026_36473024)del

Genes: CCL4L1 (C-C motif chemokine ligand 4 like 1; plus strand), DUSP14 (dual specificity phosphatase 14; plus strand), GGNBP2 (gametogenetin binding protein 2; plus strand), DDX52 (DExD-box helicase 52; minus strand), DHRS11 (dehydrogenase/reductase 11; plus strand) and 23 more. Cytogenetic location: 17q12.
Variant type: Deletion.
Identifiers: ClinVar variation 209211 (VCV000209211.2).